The following is an entry in ClinVar:

ClinVar aggregate classification (germline): Conflicting classifications of pathogenicity. Review status: criteria provided, conflicting classifications (1 of 4 stars). 3 submissions from 3 submitters: Uncertain significance (2); Likely benign (1). Last evaluated 2026-03-31.

Conditions:
Cardiovascular phenotype. Identifiers: MedGen CN230736.
Danon disease. Also called: PSEUDOGLYCOGENOSIS II; GSD IIb; LYSOSOMAL GLYCOGEN STORAGE DISEASE WITHOUT ACID MALTASE DEFICIENCY; ANTOPOL DISEASE; Glycogen Storage Disease Type IIb. Identifiers: Orphanet 34587, MedGen C0878677, MONDO:0010281, OMIM 300257.

gnomAD v4.1: 2 of 1,210,083 alleles (0.00017%); highest among the groups gnomAD compares: Non-Finnish European, 0.00022%; no homozygotes.

Submissions (3):

Ambry Genetics
Classification: Likely benign for Cardiovascular phenotype. Last evaluated: 2026-03-31. Review status: criteria provided, single submitter. Criteria: Ambry Variant Classification Scheme 2023. Collection method: clinical testing. Allele origin: germline.

Labcorp Genetics (formerly Invitae), Labcorp
Classification: Uncertain significance for Danon disease. Last evaluated: 2025-06-27. Review status: criteria provided, single submitter. Criteria: Invitae Variant Classification Sherloc (09022015). Collection method: clinical testing. Allele origin: germline.
Comment: This sequence change replaces serine, which is neutral and polar, with arginine, which is basic and polar, at codon 113 of the LAMP2 protein (p.Ser113Arg). This variant is not present in population databases (gnomAD no frequency). This variant has not been reported in the literature in individuals affected with LAMP2-related conditions. ClinVar contains an entry for this variant (Variation ID: 453016). Invitae Evidence Modeling of protein sequence and biophysical properties (such as structural, functional, and spatial information, amino acid conservation, physicochemical variation, residue mobility, and thermodynamic stability) indicates that this missense variant is not expected to disrupt LAMP2 protein function with a negative predictive value of 80%. In summary, the available evidence is currently insufficient to determine the role of this variant in disease. Therefore, it has been classified as a Variant of Uncertain Significance.

GeneDx
Classification: Uncertain significance. Last evaluated: 2017-11-03. Review status: criteria provided, single submitter. Criteria: GeneDx Variant Classification (06012015). Collection method: clinical testing. Allele origin: germline. Affected: yes.
Comment: The S113R variant has not been published as a pathogenic variant, nor has it been reported as a benign variant to our knowledge. The S113R variant is not observed in large population cohorts (Lek et al., 2016). The S113R variant is a semi-conservative amino acid substitution, which may impact secondary protein structure as these residues differ in some properties. This substitution occurs at a position that is not conserved. The majority of in silico analyses predict this variant likely does not alter the protein structure/function. In summary, based on the currently available information, it is unclear whether this variant is a pathogenic variant or a rare benign variant.

Literature cited by the submitters: PubMed 25611685 (cited by Ambry Genetics).

NM_002294.3(LAMP2):c.339C>G (p.Ser113Arg)

Gene: LAMP2 (lysosome associated membrane protein 2; minus strand). Cytogenetic location: Xq24.
Variant type: single nucleotide variant.
Coding change: c.339C>G on transcript NM_002294.3 (MANE Select); coding-DNA position 339, C replaced by G.
Protein change: p.Ser113Arg; replaces serine 113 with arginine.
Molecular consequence: missense variant.
Genome position (GRCh38, 1-based): chrX:120,455,415, G>C on the plus strand (C>G on the coding strand, the complement: LAMP2 is on the minus strand). VCF-style: chrX-120455415-G-C. GRCh37 (hg19) VCF-style: chrX-119589270-G-C.
Other names: c.339C>G, p.Ser113Arg (NM_001122606.1, NM_013995.2); short protein forms S113R.
Identifiers: ClinVar variation 453016 (VCV000453016.7), dbSNP rs147369153, ClinGen allele CA414402933.